The following is an entry in ClinVar:

ClinVar aggregate classification (germline): Likely benign. Review status: criteria provided, multiple submitters, no conflicts (2 of 4 stars). 3 submissions from 3 submitters: Likely benign (3). Last evaluated 2025-08-07.

Conditions:
Hereditary cancer-predisposing syndrome. Also called: Neoplastic Syndromes, Hereditary; Tumor predisposition; Hereditary Cancer Syndrome; Hereditary neoplastic syndrome. Identifiers: Orphanet 140162, MedGen C0027672, MeSH D009386, MONDO:0015356.
Familial adenomatous polyposis 1 (FAP1). Also called: FAMILIAL ADENOMATOUS POLYPOSIS 1, ATTENUATED; POLYPOSIS, ADENOMATOUS INTESTINAL. Identifiers: MedGen C2713442, MONDO:0021056, OMIM 175100. Disease mechanism: loss of function.

Allele frequency attached by ClinVar (database versions not stated): gnomAD exomes below 0.00001; ExAC 0.00001.
gnomAD v4.1: 1 of 1,612,520 alleles (0.000062%); highest among the groups gnomAD compares: Non-Finnish European, 0.000085%; no homozygotes.

Submissions (3):

Labcorp Genetics (formerly Invitae), Labcorp
Classification: Likely benign for Familial adenomatous polyposis 1. Last evaluated: 2025-08-07. Review status: criteria provided, single submitter. Criteria: Invitae Variant Classification Sherloc (09022015). Collection method: clinical testing. Allele origin: germline.

Myriad Genetics, Inc.
Classification: Likely benign for Familial adenomatous polyposis 1. Last evaluated: 2024-03-01. Review status: criteria provided, single submitter. Criteria: Myriad Autosomal Dominant, Autosomal Recessive and X-Linked Classification Criteria (2023). Collection method: clinical testing. Allele origin: unknown.
Comment: This variant is considered likely benign. This variant is intronic and is not expected to impact mRNA splicing.

Color Diagnostics, LLC DBA Color Health
Classification: Likely benign for Hereditary cancer-predisposing syndrome. Last evaluated: 2019-06-04. Review status: criteria provided, single submitter. Criteria: ACMG Guidelines, 2015. Collection method: clinical testing. Allele origin: germline.

NM_000038.6(APC):c.1409-16G>A

Gene: APC (APC regulator of Wnt signaling pathway; plus strand). Cytogenetic location: 5q22.2.
Variant type: single nucleotide variant.
Coding change: c.1409-16G>A on transcript NM_000038.6 (MANE Select); 16 bases into the intron before coding-DNA position 1409, G replaced by A.
Molecular consequence: intron variant.
Genome position (GRCh38, 1-based): chr5:112,827,092, G>A. VCF-style: chr5-112827092-G-A. GRCh37 (hg19) VCF-style: chr5-112162789-G-A.
Other names: c.1409-16G>A (NM_001354895.2, NM_001127510.3); c.1439-16G>A (NM_001354897.2); c.1136-16G>A (NM_001354902.2); c.1355-16G>A (NM_001127511.3); c.1334-16G>A (NM_001354898.2); c.1031-16G>A (NM_001354904.2); c.560-16G>A (NM_001354906.2); c.1463-16G>A (NM_001354896.2); and 5 more.
Identifiers: ClinVar variation 923782 (VCV000923782.5), dbSNP rs751683321, ClinGen allele CA027486.
Genomic context (GRCh38, chr5:112,827,092, plus strand): 5'-ATTTAAGTTACCAACTTGGTACCAGTTTGTTTTATTTTAGATGATTGTCTTTTTCCTCTT[G>A]CCCTTTTTAAATTAGGGGGACTACAGGCCATTGCAGAATTATTGCAAGTGGACTGTGAAA-3'